The following is an entry in ClinVar:

NM_001009944.3(PKD1):c.2722G>A (p.Val908Met)

Gene: PKD1 (polycystin 1, transient receptor potential channel interacting; minus strand). Cytogenetic location: 16p13.3.
Variant type: single nucleotide variant.
Coding change: c.2722G>A on transcript NM_001009944.3 (MANE Select); coding-DNA position 2722, G replaced by A.
Protein change: p.Val908Met; replaces valine 908 with methionine.
Molecular consequence: missense variant.
Genome position (GRCh38, 1-based): chr16:2,114,301, C>T on the plus strand (G>A on the coding strand, the complement: PKD1 is on the minus strand). VCF-style: chr16-2114301-C-T. GRCh37 (hg19) VCF-style: chr16-2164302-C-T.
Other names: c.2722G>A, p.Val908Met (NM_000296.4); short protein forms V908M.
Identifiers: ClinVar variation 3780218 (VCV003780218.2).

ClinVar aggregate classification (germline): Uncertain significance. Review status: criteria provided, multiple submitters, no conflicts (2 of 4 stars). 2 submissions from 2 submitters: Uncertain significance (2). Last evaluated 2025-09-16.

Conditions:
Polycystic kidney disease, adult type (PKD1). Also called: Polycystic Kidney, Autosomal Dominant; POLYCYSTIC KIDNEY DISEASE 1 WITH OR WITHOUT POLYCYSTIC LIVER DISEASE; Polycystic Kidney Disease 1, Autosomal Dominant; Polycystic kidney disease 1; Polycystic kidney disease 1, severe; POLYCYSTIC KIDNEY DISEASE, ADULT, TYPE I. Identifiers: MedGen C3149841, MONDO:0008263, OMIM 173900.

gnomAD v4.1: 66 of 1,610,572 alleles (0.0041%); highest among the groups gnomAD compares: South Asian, 0.036%; no homozygotes.

Submissions (2):

Women's Health and Genetics/Laboratory Corporation of America, LabCorp
Classification: Uncertain significance. Last evaluated: 2025-09-16. Review status: criteria provided, single submitter. Criteria: LabCorp Variant Classification Summary - May 2015. Collection method: clinical testing. Allele origin: germline.
Comment: Variant summary: PKD1 c.2722G>A (p.Val908Met) results in a conservative amino acid change in the encoded protein sequence. Algorithms developed to predict the effect of missense changes on protein structure and function all suggest that this variant is likely to be tolerated. The variant allele was found at a frequency of 8e-05 in 248504 control chromosomes (gnomAD). This frequency is not significantly higher than estimated for disease-causing variants in PKD1, allowing no conclusion about variant significance. c.2722G>A has been observed in an individual affected with Polycystic Kidney Disease 1 (Kim_2019). These data do not allow any conclusion about variant significance. To our knowledge, no experimental evidence demonstrating an impact on protein function has been reported. The following publication has been ascertained in the context of this evaluation (PMID: 31740684). ClinVar contains an entry for this variant (Variation ID: 3780218). Based on the evidence outlined above, the variant was classified as uncertain significance.

Department of Pathology and Laboratory Medicine, Sinai Health System
Classification: Uncertain significance for Polycystic kidney disease, adult type. Last evaluated: 2024-02-29. Review status: criteria provided, single submitter. Criteria: ACMG Guidelines, 2015. Collection method: clinical testing. Allele origin: germline. Affected: yes.

Literature cited by the submitters: PubMed 31740684 (cited by Women's Health and Genetics/Laboratory Corporation of America, LabCorp).